The following is an entry in ClinVar:

NM_002335.4(LRP5):c.3564G>A (p.Arg1188=)

Gene: LRP5 (LDL receptor related protein 5; plus strand). Cytogenetic location: 11q13.2.
Variant type: single nucleotide variant.
Coding change: c.3564G>A on transcript NM_002335.4 (MANE Select); coding-DNA position 3564, G replaced by A.
Protein change: p.Arg1188=; no amino-acid change (arginine 1188 retained).
Molecular consequence: synonymous variant.
Genome position (GRCh38, 1-based): chr11:68,426,114, G>A. VCF-style: chr11-68426114-G-A. GRCh37 (hg19) VCF-style: chr11-68193582-G-A.
Other names: p.Arg1188=; c.1821G>A, p.Arg607= (NM_001291902.2).
Identifiers: ClinVar variation 770977 (VCV000770977.46), dbSNP rs117289001, ClinGen allele CA6150033.

ClinVar aggregate classification (germline): Benign/Likely benign. Review status: criteria provided, multiple submitters, no conflicts (2 of 4 stars). 11 submissions from 11 submitters: Benign (8); Likely benign (1). 2 of the submissions do not count toward it. Last evaluated 2026-09-01.

Conditions:
Osteogenesis imperfecta (OI). Identifiers: Orphanet 666, MedGen C0029434, MeSH D010013, MONDO:0019019.

Allele frequency attached by ClinVar (database versions not stated): 1000 Genomes Project 30x 0.00359; 1000 Genomes Project 0.00379; gnomAD 0.00748 and 0.00762; TOPMed 0.00779; gnomAD exomes 0.00808; ExAC 0.00850; ESP Exome Variant Server 0.00932.
gnomAD v4.1: 17,756 of 1,613,322 alleles (1.1%); highest among the groups gnomAD compares: Non-Finnish European, 1.3%; 113 homozygotes.

Submissions (11):

CeGaT Center for Human Genetics Tuebingen
Classification: Benign. Last evaluated: 2026-09-01. Review status: criteria provided, single submitter. Criteria: CeGaT Center For Human Genetics Tuebingen Variant Classification Criteria Version 2. Collection method: clinical testing. Allele origin: germline. Affected: yes. Observed: 17 variant alleles.
Comment: LRP5: BP4, BP7, BS1, BS2

Labcorp Genetics (formerly Invitae), Labcorp
Classification: Benign. Last evaluated: 2026-02-03. Review status: criteria provided, single submitter. Criteria: Invitae Variant Classification Sherloc (09022015). Collection method: clinical testing. Allele origin: germline.

Mayo Clinic Laboratories, Mayo Clinic
Classification: Benign. Last evaluated: 2025-05-06. Review status: criteria provided, single submitter. Criteria: ACMG Guidelines, 2015. Collection method: clinical testing. Allele origin: germline. Observed: 4 variant alleles.
Comment: BS1, BS2, BP4, BP7

Women's Health and Genetics/Laboratory Corporation of America, LabCorp
Classification: Benign. Last evaluated: 2024-12-06. Review status: criteria provided, single submitter. Criteria: LabCorp Variant Classification Summary - May 2015. Collection method: clinical testing. Allele origin: germline.

Blueprint Genetics
Classification: Likely benign. Last evaluated: 2024-11-22. Review status: criteria provided, single submitter. Criteria: ACMG Guidelines, 2015. Collection method: clinical testing. Allele origin: germline.

ARUP Laboratories, Molecular Genetics and Genomics, ARUP Laboratories
Classification: Benign. Last evaluated: 2024-09-16. Review status: criteria provided, single submitter. Criteria: ARUP Molecular Germline Variant Investigation Process 2024. Collection method: clinical testing. Allele origin: germline.

Genome Diagnostics Laboratory, The Hospital for Sick Children
Classification: Benign for Osteogenesis imperfecta. Last evaluated: 2021-04-13. Review status: criteria provided, single submitter. Criteria: ACMG Guidelines, 2015. Collection method: clinical testing. Allele origin: germline.

GeneDx
Classification: Benign. Last evaluated: 2018-11-27. Review status: criteria provided, single submitter. Criteria: GeneDx Variant Classification Process June 2021. Collection method: clinical testing. Allele origin: germline. Affected: yes.
Comment: This variant is associated with the following publications: (PMID: 18721193, 20045498)

Breakthrough Genomics
Classification: Benign. Review status: criteria provided, single submitter. Criteria: ACMG Guidelines, 2015. Collection method: not provided. Allele origin: germline. Inheritance: Autosomal recessive inheritance. Affected: yes.

Clinical Genetics DNA and cytogenetics Diagnostics Lab, Erasmus MC, Erasmus Medical Center
Classification: Likely benign. Review status: no assertion criteria provided. Collection method: clinical testing. Allele origin: germline. Affected: yes. Study: VKGL Data-share Consensus. Not counted in ClinVar's aggregate classification.

Genome Diagnostics Laboratory, Amsterdam University Medical Center
Classification: Benign. Review status: no assertion criteria provided. Collection method: clinical testing. Allele origin: germline. Affected: yes. Study: VKGL Data-share Consensus. Not counted in ClinVar's aggregate classification.

Literature cited by the submitters: PubMed 18721193 (cited by Mayo Clinic Laboratories, Mayo Clinic); PubMed 20045498 (cited by Mayo Clinic Laboratories, Mayo Clinic).